The following is an entry in ClinVar:

ClinVar aggregate classification (germline): Uncertain significance. Review status: criteria provided, multiple submitters, no conflicts (2 of 4 stars). 2 submissions from 2 submitters: Uncertain significance (2). Last evaluated 2025-10-24.

Conditions:
Deficiency of ferroxidase (ACEP). Also called: NEURODEGENERATION WITH BRAIN IRON ACCUMULATION 10; Deficiency of ceruloplasmin; Aceruloplasminemia; Ceruloplasmin deficiency; Familial apoceruloplasmin deficiency; Hereditary ceruloplasmin deficiency. Identifiers: Orphanet 48818, MedGen C0878682, MONDO:0011426, OMIM 604290, HP:0025498.
Inborn genetic diseases. Identifiers: MedGen C0950123, MeSH D030342.

Allele frequency attached by ClinVar (database versions not stated): TOPMed 0.00001; gnomAD exomes 0.00004 and 0.00001; ExAC 0.00007.
gnomAD v4.1: 16 of 1,614,082 alleles (0.00099%); highest among the groups gnomAD compares: Middle Eastern, 0.017%; 1 homozygote.

Submissions (2):

Ambry Genetics
Classification: Uncertain significance for Inborn genetic diseases. Last evaluated: 2025-10-24. Review status: criteria provided, single submitter. Criteria: Ambry Variant Classification Scheme 2023. Collection method: clinical testing. Allele origin: germline.

Labcorp Genetics (formerly Invitae), Labcorp
Classification: Uncertain significance for Deficiency of ferroxidase. Last evaluated: 2022-08-23. Review status: criteria provided, single submitter. Criteria: Invitae Variant Classification Sherloc (09022015). Collection method: clinical testing. Allele origin: germline.
Comment: This variant is present in population databases (rs758412535, gnomAD 0.008%), including at least one homozygous and/or hemizygous individual. In summary, the available evidence is currently insufficient to determine the role of this variant in disease. Therefore, it has been classified as a Variant of Uncertain Significance. Algorithms developed to predict the effect of missense changes on protein structure and function output the following: SIFT: "Tolerated"; PolyPhen-2: "Benign"; Align-GVGD: "Class C0". The leucine amino acid residue is found in multiple mammalian species, which suggests that this missense change does not adversely affect protein function. ClinVar contains an entry for this variant (Variation ID: 1509722). This variant has not been reported in the literature in individuals affected with CP-related conditions. This sequence change replaces serine, which is neutral and polar, with leucine, which is neutral and non-polar, at codon 641 of the CP protein (p.Ser641Leu).

NM_000096.4(CP):c.1922C>T (p.Ser641Leu)

Gene: CP (ceruloplasmin; minus strand). Cytogenetic location: 3q24.
Variant type: single nucleotide variant.
Coding change: c.1922C>T on transcript NM_000096.4 (MANE Select); coding-DNA position 1922, C replaced by T.
Protein change: p.Ser641Leu; replaces serine 641 with leucine.
Molecular consequence: missense variant.
Genome position (GRCh38, 1-based): chr3:149,186,675, G>A on the plus strand (C>T on the coding strand, the complement: CP is on the minus strand). VCF-style: chr3-149186675-G-A. GRCh37 (hg19) VCF-style: chr3-148904462-G-A.
Other names: c.1922C>T (NM_000096.3); short protein forms S641L.
Identifiers: ClinVar variation 1509722 (VCV001509722.8), dbSNP rs758412535, ClinGen allele CA2660884.